The following is an entry in ClinVar:

ClinVar aggregate classification (germline): Uncertain significance. Review status: criteria provided, multiple submitters, no conflicts (2 of 4 stars). 2 submissions from 2 submitters: Uncertain significance (2). Last evaluated 2026-08-29.

Conditions:
Cardiovascular phenotype. Identifiers: MedGen CN230736.

gnomAD v4.1: 5 of 1,612,272 alleles (0.00031%); highest among the groups gnomAD compares: Non-Finnish European, 0.00042%; no homozygotes.

Submissions (2):

Ambry Genetics
Classification: Uncertain significance for Cardiovascular phenotype. Last evaluated: 2026-08-29. Review status: criteria provided, single submitter. Criteria: Ambry Variant Classification Scheme 2023. Collection method: clinical testing. Allele origin: germline.
Comment: The p.E1218K variant (also known as c.3652G>A), located in coding exon 6 of the ALPK3 gene, results from a G to A substitution at nucleotide position 3652. The glutamic acid at codon 1218 is replaced by lysine, an amino acid with similar properties. This amino acid position is conserved. In addition, the in silico prediction for this alteration is inconclusive. Based on the available evidence, the clinical significance of this variant remains unclear.

Labcorp Genetics (formerly Invitae), Labcorp
Classification: Uncertain significance. Last evaluated: 2024-03-04. Review status: criteria provided, single submitter. Criteria: Invitae Variant Classification Sherloc (09022015). Collection method: clinical testing. Allele origin: germline.
Comment: This sequence change replaces glutamic acid, which is acidic and polar, with lysine, which is basic and polar, at codon 1218 of the ALPK3 protein (p.Glu1218Lys). This variant is not present in population databases (gnomAD no frequency). This variant has not been reported in the literature in individuals affected with ALPK3-related conditions. Advanced modeling of protein sequence and biophysical properties (such as structural, functional, and spatial information, amino acid conservation, physicochemical variation, residue mobility, and thermodynamic stability) performed at Invitae indicates that this missense variant is expected to disrupt ALPK3 protein function with a positive predictive value of 80%. In summary, the available evidence is currently insufficient to determine the role of this variant in disease. Therefore, it has been classified as a Variant of Uncertain Significance.

NM_020778.5(ALPK3):c.3046G>A (p.Glu1016Lys)

Gene: ALPK3 (alpha kinase 3; plus strand). Cytogenetic location: 15q25.3.
Variant type: single nucleotide variant.
Coding change: c.3046G>A on transcript NM_020778.5 (MANE Select); coding-DNA position 3046, G replaced by A.
Protein change: p.Glu1016Lys; replaces glutamic acid 1016 with lysine.
Molecular consequence: missense variant.
Genome position (GRCh38, 1-based): chr15:84,857,784, G>A. VCF-style: chr15-84857784-G-A. GRCh37 (hg19) VCF-style: chr15-85401015-G-A.
Other names: c.3652G>A (NM_020778.4); short protein forms E1016K.
Identifiers: ClinVar variation 3687131 (VCV003687131.3).